The following is an entry in ClinVar:

ClinVar aggregate classification (germline): Uncertain significance (1 of 4 stars; one submission).

Conditions:
Glycogen storage disease IXa1. Also called: GLYCOGEN STORAGE DISEASE VIII; GSD VIII; Glycogen storage disease 8; LIVER GLYCOGENOSIS, X-LINKED, TYPE I. Identifiers: Orphanet 264580, MedGen C3694531, MONDO:0010598, OMIM 306000.

gnomAD v4.1: 16 of 1,208,894 alleles (0.0013%); highest among the groups gnomAD compares: South Asian, 0.0053%; no homozygotes.

Submission:

Labcorp Genetics (formerly Invitae), Labcorp
Classification: Uncertain significance for Glycogen storage disease IXa1. Last evaluated: 2025-07-21. Review status: criteria provided, single submitter. Criteria: Invitae Variant Classification Sherloc (09022015). Collection method: clinical testing. Allele origin: germline.
Comment: This sequence change replaces arginine, which is basic and polar, with histidine, which is basic and polar, at codon 1069 of the PHKA2 protein (p.Arg1069His). This variant is present in population databases (rs779456044, gnomAD 0.01%). This variant has not been reported in the literature in individuals affected with PHKA2-related conditions. Invitae Evidence Modeling of protein sequence and biophysical properties (such as structural, functional, and spatial information, amino acid conservation, physicochemical variation, residue mobility, and thermodynamic stability) has been performed for this missense variant. However, the output from this modeling did not meet the statistical confidence thresholds required to predict the impact of this variant on PHKA2 protein function. In summary, the available evidence is currently insufficient to determine the role of this variant in disease. Therefore, it has been classified as a Variant of Uncertain Significance.

NM_000292.3(PHKA2):c.3206G>A (p.Arg1069His)

Gene: PHKA2 (phosphorylase kinase regulatory subunit alpha 2; minus strand). Cytogenetic location: Xp22.13.
Variant type: single nucleotide variant.
Coding change: c.3206G>A on transcript NM_000292.3 (MANE Select); coding-DNA position 3206, G replaced by A.
Protein change: p.Arg1069His; replaces arginine 1069 with histidine.
Molecular consequence: missense variant.
Genome position (GRCh38, 1-based): chrX:18,897,239, C>T on the plus strand (G>A on the coding strand, the complement: PHKA2 is on the minus strand). VCF-style: chrX-18897239-C-T. GRCh37 (hg19) VCF-style: chrX-18915357-C-T.
Other names: c.3152G>A, p.Arg1051His (NM_001440800.1); c.3122G>A, p.Arg1041His (NM_001440801.1); c.3107G>A, p.Arg1036His (NM_001440802.1); c.3053G>A, p.Arg1018His (NM_001440803.1); c.3023G>A, p.Arg1008His (NM_001440804.1); c.3230G>A, p.Arg1077His (NM_001440805.1); short protein forms R1018H, R1036H, R1041H, R1051H, R1008H, R1069H, R1077H.
Identifiers: ClinVar variation 4745516 (VCV004745516.1).